The following is an entry in ClinVar:

NM_139119.3(YY1AP1):c.583+1G>A

Gene: YY1AP1 (YY1 associated protein 1; minus strand). Cytogenetic location: 1q22.
Variant type: single nucleotide variant.
Coding change: c.583+1G>A on transcript NM_139119.3 (MANE Select); the canonical splice donor site of the intron after coding-DNA position 583, G replaced by A.
Molecular consequence: splice donor variant.
Genome position (GRCh38, 1-based): chr1:155,672,559, C>T on the plus strand (G>A on the coding strand, the complement: YY1AP1 is on the minus strand). VCF-style: chr1-155672559-C-T. GRCh37 (hg19) VCF-style: chr1-155642350-C-T.
Other names: c.997+1G>A (NM_001198904.1, NM_001198903.1); c.583+1G>A (NM_001198901.2, NM_001198902.2, NM_001198905.2); c.385+1G>A (NM_139121.3); c.781+1G>A (NM_139118.3, NM_001198906.2); c.550+1G>A (NM_001198900.2, NM_018253.4, NM_001198899.2).
Identifiers: ClinVar variation 4856939 (VCV004856939.2).
Genomic context (GRCh38, chr1:155,672,559, plus strand): 5'-TAAGATTCCCACCACCTCTCACCGCAAGTAAAAACTTAAAGCTGACACATCTGTCTCCTA[C>T]CAGTCTTCTTGACAGTTTTATGAGGGCTGCAGTCAATGCTGACATGTGTGCTGAAGTCTT-3'

ClinVar aggregate classification (germline): Likely pathogenic (1 of 4 stars; one submission).

Submission:

Dasa
Classification: Likely pathogenic. Last evaluated: 2026-03-04. Review status: criteria provided, single submitter. Criteria: DASA Assertion Criteria. Collection method: clinical testing. Allele origin: germline.
Comment: NM_139119.3(YY1AP1):c.583+1G>A affects a canonical splice site and is predicted to disrupt normal RNA splicing. Loss of function is an established disease mechanism for YY1AP1-associated disorders. Also, this variant is rare in population databases. Based on the currently available evidence, this variant is classified as likely pathogenic.